The following is an entry in ClinVar:

ClinVar aggregate classification (germline): Likely benign. Review status: criteria provided, multiple submitters, no conflicts (2 of 4 stars). 2 submissions from 2 submitters: Likely benign (2). Last evaluated 2025-03-11.

gnomAD v4.1: 100 of 1,594,206 alleles (0.0063%); highest among the groups gnomAD compares: Non-Finnish European, 0.0081%; no homozygotes.

Submissions (2):

Mayo Clinic Laboratories, Mayo Clinic
Classification: Likely benign. Last evaluated: 2025-03-11. Review status: criteria provided, single submitter. Criteria: ACMG Guidelines, 2015. Collection method: clinical testing. Allele origin: germline. Observed: 1 variant allele.
Comment: BS2, BP4, BP7

Blueprint Genetics
Classification: Likely benign. Last evaluated: 2024-10-17. Review status: criteria provided, single submitter. Criteria: ACMG Guidelines, 2015. Collection method: clinical testing. Allele origin: germline.

NM_001145809.2(MYH14):c.1848C>T (p.Asn616=)

Gene: MYH14 (myosin heavy chain 14; plus strand). Cytogenetic location: 19q13.33.
Variant type: single nucleotide variant.
Coding change: c.1848C>T on transcript NM_001145809.2 (MANE Select); coding-DNA position 1848, C replaced by T.
Protein change: p.Asn616=; no amino-acid change (asparagine 616 retained).
Molecular consequence: synonymous variant.
Genome position (GRCh38, 1-based): chr19:50,252,656, C>T. VCF-style: chr19-50252656-C-T. GRCh37 (hg19) VCF-style: chr19-50755913-C-T.
Other names: p.Asn608=; c.1848C>T, p.Asn616= (NM_001077186.2); c.1824C>T, p.Asn608= (NM_024729.4).
Identifiers: ClinVar variation 4684394 (VCV004684394.2).